The following is an entry in ClinVar:

ClinVar aggregate classification (germline): Uncertain significance. Review status: criteria provided, multiple submitters, no conflicts (2 of 4 stars). 3 submissions from 3 submitters: Uncertain significance (2). 1 of the submissions does not count toward it. Last evaluated 2024-10-29.

Conditions:
Acute myeloid leukemia (AML). Also called: Leukemia, acute myeloid, somatic; Leukemia, acute myelogenous, somatic; Acute myeloid leukemia, adult; AML adult; Acute non-lymphocytic leukemia; Acute granulocytic leukemia. Identifiers: Orphanet 519, MedGen C0023467, MeSH D015470, MONDO:0018874, OMIM 601626, HP:0004808. Disease mechanism: Constitutively activated FLT3.
CEBPA-related disorder. Also called: CEBPA-related condition.

Allele frequency attached by ClinVar (database versions not stated): gnomAD exomes 0.00001 and 0.00006; gnomAD 0.00003 and 0.00004; TOPMed 0.00003.

Submissions (3):

Labcorp Genetics (formerly Invitae), Labcorp
Classification: Uncertain significance for Acute myeloid leukemia. Last evaluated: 2024-10-29. Review status: criteria provided, single submitter. Criteria: Invitae Variant Classification Sherloc (09022015). Collection method: clinical testing. Allele origin: germline.
Comment: This sequence change replaces leucine, which is neutral and non-polar, with proline, which is neutral and non-polar, at codon 52 of the CEBPA protein (p.Leu52Pro). The frequency data for this variant in the population databases is considered unreliable, as metrics indicate poor data quality at this position in the gnomAD database. This variant has not been reported in the literature in individuals affected with CEBPA-related conditions. ClinVar contains an entry for this variant (Variation ID: 526819). Invitae Evidence Modeling of protein sequence and biophysical properties (such as structural, functional, and spatial information, amino acid conservation, physicochemical variation, residue mobility, and thermodynamic stability) indicates that this missense variant is not expected to disrupt CEBPA protein function with a negative predictive value of 80%. In summary, the available evidence is currently insufficient to determine the role of this variant in disease. Therefore, it has been classified as a Variant of Uncertain Significance.

GeneDx
Classification: Uncertain significance. Last evaluated: 2023-07-21. Review status: criteria provided, single submitter. Criteria: GeneDx Variant Classification Process June 2021. Collection method: clinical testing. Allele origin: germline. Affected: yes.
Comment: In silico analysis supports that this missense variant does not alter protein structure/function; Has not been previously published as pathogenic or benign to our knowledge

PreventionGenetics, part of Exact Sciences
Classification: Uncertain significance for CEBPA-related condition. Last evaluated: 2024-01-05. Review status: no assertion criteria provided. Collection method: clinical testing. Allele origin: germline. Not counted in ClinVar's aggregate classification.
Comment: The CEBPA c.155T>C variant is predicted to result in the amino acid substitution p.Leu52Pro. To our knowledge, this variant has not been reported in the literature. This variant is reported in 0.0058% of alleles in individuals of European (Non-Finnish) descent in gnomAD. At this time, the clinical significance of this variant is uncertain due to the absence of conclusive functional and genetic evidence.

NM_004364.5(CEBPA):c.155T>C (p.Leu52Pro)

Gene: CEBPA (CCAAT enhancer binding protein alpha; minus strand). Cytogenetic location: 19q13.11.
Variant type: single nucleotide variant.
Coding change: c.155T>C on transcript NM_004364.5 (MANE Select); coding-DNA position 155, T replaced by C.
Protein change: p.Leu52Pro; replaces leucine 52 with proline.
Molecular consequence: missense variant. On other transcripts: 5 prime UTR variant (1).
Genome position (GRCh38, 1-based): chr19:33,302,260, A>G on the plus strand (T>C on the coding strand, the complement: CEBPA is on the minus strand). VCF-style: chr19-33302260-A-G. GRCh37 (hg19) VCF-style: chr19-33793166-A-G.
Other names: c.155T>C (NM_004364.3); c.-203T>C (NM_001285829.2); c.260T>C, p.Leu87Pro (NM_001287424.2); c.113T>C, p.Leu38Pro (NM_001287435.2); short protein forms L52P, L38P, L87P.
Identifiers: ClinVar variation 526819 (VCV000526819.12), dbSNP rs936973108, ClinGen allele CA307844425.